The following is an entry in ClinVar:

ClinVar aggregate classification (germline): Uncertain significance. Review status: criteria provided, multiple submitters, no conflicts (2 of 4 stars). 2 submissions from 2 submitters: Uncertain significance (2). Last evaluated 2026-03-01.

gnomAD v4.1: 2 of 1,551,576 alleles (0.00013%); highest among the groups gnomAD compares: Non-Finnish European, 0.00017%; no homozygotes.

Submissions (2):

CeGaT Center for Human Genetics Tuebingen
Classification: Uncertain significance. Last evaluated: 2026-03-01. Review status: criteria provided, single submitter. Criteria: CeGaT Center For Human Genetics Tuebingen Variant Classification Criteria Version 2. Collection method: clinical testing. Allele origin: germline. Affected: yes. Observed: 2 variant alleles.
Comment: DEAF1: PM5, PM1:Supporting

Blueprint Genetics
Classification: Uncertain significance. Last evaluated: 2024-09-10. Review status: criteria provided, single submitter. Criteria: ACMG Guidelines, 2015. Collection method: clinical testing. Allele origin: germline.

NM_021008.4(DEAF1):c.826G>A (p.Ala276Thr)

Gene: DEAF1 (DEAF1 transcription factor; minus strand). Cytogenetic location: 11p15.5.
Variant type: single nucleotide variant.
Coding change: c.826G>A on transcript NM_021008.4 (MANE Select); coding-DNA position 826, G replaced by A.
Protein change: p.Ala276Thr; replaces alanine 276 with threonine.
Molecular consequence: missense variant.
Genome position (GRCh38, 1-based): chr11:684,942, C>T on the plus strand (G>A on the coding strand, the complement: DEAF1 is on the minus strand). VCF-style: chr11-684942-C-T. GRCh37 (hg19) VCF-style: chr11-684942-C-T.
Other names: c.686G>A, p.Arg229His (NM_001293634.2); c.100G>A, p.Ala34Thr (NM_001367390.1, NM_001440885.1, NM_001440886.1 and 1 more transcripts); c.826G>A, p.Ala276Thr (NM_001440883.1, NM_001440884.1); short protein forms A276T, A34T, R229H.
Identifiers: ClinVar variation 4822913 (VCV004822913.5).
Genomic context (GRCh38, chr11:684,942, plus strand): 5'-CACGCTGGCCACTTACTAAGGTCATGTCGTCGCAGCAGGCAGCACAGGTGCAAGAGGCAG[C>T]GTGAGGGTTTAAGATCCCATCCTGAGATGTGAAAAGAACCACCATGCATTAGCAAGTCAG-3'
Protein context (NP_066288.2, residues 266-286): LIQDGILNPH[Ala276Thr]ASCTCAACCD